The following is an entry in ClinVar:

NM_006915.3(RP2):c.542_543del (p.Ser181fs)

Gene: RP2 (RP2 activator of ARL3 GTPase; plus strand). Cytogenetic location: Xp11.3.
Variant type: Deletion.
Coding change: c.542_543del on transcript NM_006915.3 (MANE Select); coding-DNA positions 542 to 543, 2 bases deleted (CA; older notation c.542_543delCA).
Protein change: p.Ser181fs; shifts the reading frame from serine 181.
Molecular consequence: frameshift variant.
Genome position (GRCh38, 1-based): chrX:46,853,915-46,853,916, CA deleted. VCF-style (leftmost placement, unchanged base first): chrX-46853914-TCA-T. GRCh37 (hg19) VCF-style: chrX-46713349-TCA-T.
Other names: short protein forms S181fs.
Identifiers: ClinVar variation 1389912 (VCV001389912.6), dbSNP rs2147081427, ClinGen allele CA2573158924.

ClinVar aggregate classification (germline): Pathogenic (1 of 4 stars; one submission).

Submission:

Labcorp Genetics (formerly Invitae), Labcorp
Classification: Pathogenic. Last evaluated: 2022-12-02. Review status: criteria provided, single submitter. Criteria: Invitae Variant Classification Sherloc (09022015). Collection method: clinical testing. Allele origin: germline.
Comment: This premature translational stop signal has been observed in individual(s) with X-linked retinitis pigmentosa (PMID: 16969763). This sequence change creates a premature translational stop signal (p.Ser181Trpfs*37) in the RP2 gene. It is expected to result in an absent or disrupted protein product. Loss-of-function variants in RP2 are known to be pathogenic (PMID: 11992260, 20625056). This variant is not present in population databases (gnomAD no frequency). ClinVar contains an entry for this variant (Variation ID: 1389912). For these reasons, this variant has been classified as Pathogenic.

Literature cited by the submitters: PubMed 16969763; PubMed 11992260; PubMed 20625056.